The following is an entry in ClinVar:

ClinVar aggregate classification (germline): Pathogenic/Likely pathogenic. Review status: criteria provided, multiple submitters, no conflicts (2 of 4 stars). 6 submissions from 6 submitters: Pathogenic (5); Likely pathogenic (1). Last evaluated 2024-12-26.

Conditions:
Lambdoidal craniosynostosis. Identifiers: MedGen C1833340, HP:0004443.
Noonan Syndrome-like developmental disorder.
Inborn genetic diseases. Identifiers: MedGen C0950123, MeSH D030342.
Craniosynostosis 4 (CRS4). Identifiers: MedGen C3806917, MONDO:0010929, OMIM 600775.

Allele frequency attached by ClinVar (database versions not stated): gnomAD exomes below 0.00001.
gnomAD v4.1: 1 of 1,585,172 alleles (0.000063%); no homozygotes.

Submissions (6):

GeneDx
Classification: Pathogenic. Last evaluated: 2024-12-26. Review status: criteria provided, single submitter. Criteria: GeneDx Variant Classification Process June 2021. Collection method: clinical testing. Allele origin: germline. Affected: yes.
Comment: Nonsense variant predicted to result in protein truncation, as the last 316 amino acids are lost, and other loss-of-function variants have been reported downstream in HGMD; Not observed at significant frequency in large population cohorts (gnomAD); This variant is associated with the following publications: (PMID: 38824261)

Institute of Human Genetics, University of Leipzig Medical Center
Classification: Pathogenic for Craniosynostosis 4. Last evaluated: 2024-08-12. Review status: criteria provided, single submitter. Criteria: ACMG Guidelines, 2015. Collection method: clinical testing. Allele origin: unknown. Inheritance: Autosomal dominant inheritance. Affected: yes.
Comment: Criteria applied: PVS1,PS4_SUP,PM2_SUP

Tartaglia Lab, Genetics and Rare Diseases Research Division, Bambino Gesu' Children's Hospital
Classification: Pathogenic for Noonan Syndrome-like developmental disorder. Last evaluated: 2023-12-31. Review status: criteria provided, single submitter. Criteria: ACMG Guidelines, 2015. Collection method: research. Allele origin: germline. Affected: yes.

Seattle Children's Hospital Molecular Genetics Laboratory, Seattle Children's Hospital
Classification: Pathogenic. Last evaluated: 2020-12-14. Review status: criteria provided, single submitter. Criteria: ACMG Guidelines, 2015. Collection method: clinical testing. Allele origin: germline. Affected: yes. Observed: 2 variant alleles.
Comment: This variant has not been observed in large population studies (Genome Aggregation Database v2.1.1). This variant has also not been reported in the medical literature or ClinVar database in clinically affected individuals. This variant is predicted to create a premature termination codon at protein position 233 (of 549 total amino acids). The truncated protein would lack the C-terminal ERK interaction and repressor domains. While the ERF p.Arg233* variant has not been reported before, other nearby protein-truncating variants have been reported in affected individuals.

Ambry Genetics
Classification: Pathogenic for Inborn genetic diseases. Last evaluated: 2018-03-12. Review status: criteria provided, single submitter. Criteria: Ambry exome assertion method (8-5-2015). Collection method: clinical testing. Allele origin: germline. Affected: yes. Observed: 1 variant allele.

Juno Genomics, Hangzhou Juno Genomics, Inc
Classification: Likely pathogenic for Craniosynostosis 4. Review status: criteria provided, single submitter. Criteria: ACMG Guidelines, 2015. Collection method: clinical testing. Allele origin: germline.
Comment: Absent from controls (or at extremely low frequency if recessive) in Genome Aggregation Database.;Null variant in a gene where loss of function (LOF) is a known mechanism of disease.;Co-segregation with disease in multiple affected family members.

NM_006494.4(ERF):c.697C>T (p.Arg233Ter)

Gene: ERF (ETS2 repressor factor; minus strand). Cytogenetic location: 19q13.2.
Variant type: single nucleotide variant.
Coding change: c.697C>T on transcript NM_006494.4 (MANE Select); coding-DNA position 697, C replaced by T.
Protein change: p.Arg233Ter; replaces arginine 233 with a stop codon.
Molecular consequence: nonsense.
Genome position (GRCh38, 1-based): chr19:42,249,415, G>A on the plus strand (C>T on the coding strand, the complement: ERF is on the minus strand). VCF-style: chr19-42249415-G-A. GRCh37 (hg19) VCF-style: chr19-42753567-G-A.
Other names: c.472C>T, p.Arg158Ter (NM_001301035.2, NM_001308402.2, NM_001312656.2); short protein forms R158*, R233*.
Identifiers: ClinVar variation 985387 (VCV000985387.10), dbSNP rs2036401878, ClinGen allele CA406110968.
Genomic context (GRCh38, chr19:42,249,415, plus strand): 5'-GAGGCGACACAGGGAAGGGGCTGAGGGGTTCAGGGCCACCCCGAGGCCGGGGATAGACTC[G>A]GAAGACACCAGGGTCATGGGGCAGGCGGGCCAGCGGGGGCCCTCGGAAGGCACCCAGATC-3'